The following is an entry in ClinVar:

NM_000219.6(KCNE1):c.310A>G (p.Arg104Gly)

Gene: KCNE1 (potassium voltage-gated channel subfamily E regulatory subunit 1; minus strand). Cytogenetic location: 21q22.12.
Variant type: single nucleotide variant.
Coding change: c.310A>G on transcript NM_000219.6 (MANE Select); coding-DNA position 310, A replaced by G.
Protein change: p.Arg104Gly; replaces arginine 104 with glycine.
Molecular consequence: missense variant.
Genome position (GRCh38, 1-based): chr21:34,449,325, T>C on the plus strand (A>G on the coding strand, the complement: KCNE1 is on the minus strand). VCF-style: chr21-34449325-T-C. GRCh37 (hg19) VCF-style: chr21-35821623-T-C.
Other names: c.310A>G, p.Arg104Gly (NM_001127668.4, NM_001127669.4, NM_001127670.4 and 4 more transcripts); short protein forms R104G.
Identifiers: ClinVar variation 3374603 (VCV003374603.2).

Conditions:
Long QT syndrome 5 (LQT5). Identifiers: Orphanet 101016, Orphanet 768, MedGen C1867904, MONDO:0013372, OMIM 613695.

Submission:

Roden Lab, Vanderbilt University Medical Center
No classification provided (evidence only). Condition: Long QT syndrome 5. Review status: no classification provided. Collection method: in vitro. Allele origin: not applicable. Functional consequence: Effect on ion channel function.
ClinVar note: "not provided" was previously submitted as the classification for the variant. However, the classification appeared to be based only on an observation of functional data so it was converted to no classification on 2025-07-30.